The following is an entry in ClinVar:

ClinVar aggregate classification (germline): Likely pathogenic (1 of 4 stars; one submission).

Conditions:
Neuronopathy, distal hereditary motor, type 7A. Also called: HARPER-YOUNG MYOPATHY; HMN VIIA; SPINAL MUSCULAR ATROPHY, DISTAL, WITH VOCAL CORD PARALYSIS; Neuronopathy, distal hereditary motor, type viia; NEURONOPATHY, DISTAL HEREDITARY MOTOR, HARDING TYPE VIIA; NEUROPATHY, DISTAL HEREDITARY MOTOR, HARDING TYPE VIIA. Identifiers: Orphanet 139589, MedGen C1834703, MONDO:0008024, OMIM 158580.

Submission:

Institute of Human Genetics, University of Leipzig Medical Center
Classification: Likely pathogenic for Neuronopathy, distal hereditary motor, type 7A. Last evaluated: 2023-12-15. Review status: criteria provided, single submitter. Criteria: ACMG Guidelines, 2015. Collection method: clinical testing. Allele origin: unknown. Inheritance: Autosomal dominant inheritance. Affected: yes.
Comment: Criteria applied: PVS1_STR,PS4_SUP,PM2_SUP

NM_021815.5(SLC5A7):c.1503_1506del (p.Phe502fs)

Gene: SLC5A7 (solute carrier family 5 member 7; plus strand). Cytogenetic location: 2q12.3.
Variant type: Deletion.
Coding change: c.1503_1506del on transcript NM_021815.5 (MANE Select); coding-DNA positions 1503 to 1506, 4 bases deleted (ATTT; older notation c.1503_1506delATTT).
Protein change: p.Phe502fs; shifts the reading frame from phenylalanine 502.
Molecular consequence: frameshift variant.
Genome position (GRCh38, 1-based): chr2:108,010,621-108,010,624, ATTT deleted; deleting any 4 consecutive bases within chr2:108,010,620-108,010,624 gives the same sequence; the c. name uses the placement nearest the transcript's 3' end. VCF-style (leftmost placement, unchanged base first): chr2-108010619-CTATT-C. GRCh37 (hg19) VCF-style: chr2-108627075-CTATT-C.
Other names: c.1503_1506del, p.Phe502fs (NM_001305005.3); c.1188_1191del, p.Phe397fs (NM_001305006.3); c.762_765del, p.Phe255fs (NM_001305007.3); short protein forms F255fs, F397fs, F502fs.
Identifiers: ClinVar variation 2691886 (VCV002691886.2), dbSNP rs2467133875, ClinGen allele CA2697551006.